The following is an entry in ClinVar:

NM_001127198.5(TMC6):c.922G>A (p.Gly308Ser)

Gene: TMC6 (transmembrane channel like 6; minus strand). Cytogenetic location: 17q25.3.
Variant type: single nucleotide variant.
Coding change: c.922G>A on transcript NM_001127198.5 (MANE Select); coding-DNA position 922, G replaced by A.
Protein change: p.Gly308Ser; replaces glycine 308 with serine.
Molecular consequence: missense variant.
Genome position (GRCh38, 1-based): chr17:78,124,149, C>T on the plus strand (G>A on the coding strand, the complement: TMC6 is on the minus strand). VCF-style: chr17-78124149-C-T. GRCh37 (hg19) VCF-style: chr17-76120230-C-T.
Other names: c.922G>A, p.Gly308Ser (NM_001321185.1, NM_001374593.1, NM_001374594.1 and 4 more transcripts); short protein forms G308S.
Identifiers: ClinVar variation 856795 (VCV000856795.8), dbSNP rs752806660, ClinGen allele CA8795934.
Genomic context (GRCh38, chr17:78,124,149, plus strand): 5'-ACTGGCTGCCATCCAGGGGGCTGCCACACGGCTGGTTCAGCGTGGCGTTACTGTAGTGGC[C>T]GTAGTACATGACGGTGTGGGTGAAGCAACCCTGCCACAGGGAGATCCAGCCGAGTCAGGG-3'
Protein context (NP_001120670.1, residues 298-318): GCFTHTVMYY[Gly308Ser]HYSNATLNQP

ClinVar aggregate classification (germline): Uncertain significance (1 of 4 stars; one submission).

Conditions:
Epidermodysplasia verruciformis. Identifiers: Orphanet 302, MedGen C0014522, MONDO:0009176.

Allele frequency attached by ClinVar (database versions not stated): ExAC 0.00002; gnomAD exomes 0.00003 and 0.00004; TOPMed 0.00003; gnomAD 0.00004.
gnomAD v4.1: 56 of 1,612,234 alleles (0.0035%); highest among the groups gnomAD compares: South Asian, 0.0055%; no homozygotes.

Submission:

Labcorp Genetics (formerly Invitae), Labcorp
Classification: Uncertain significance for Epidermodysplasia verruciformis. Last evaluated: 2024-10-08. Review status: criteria provided, single submitter. Criteria: Invitae Variant Classification Sherloc (09022015). Collection method: clinical testing. Allele origin: germline.
Comment: This sequence change replaces glycine, which is neutral and non-polar, with serine, which is neutral and polar, at codon 308 of the TMC6 protein (p.Gly308Ser). This variant is present in population databases (rs752806660, gnomAD 0.01%). This variant has not been reported in the literature in individuals affected with TMC6-related conditions. ClinVar contains an entry for this variant (Variation ID: 856795). An algorithm developed to predict the effect of missense changes on protein structure and function (PolyPhen-2) suggests that this variant is likely to be disruptive. Algorithms developed to predict the effect of sequence changes on RNA splicing suggest that this variant may create or strengthen a splice site. In summary, the available evidence is currently insufficient to determine the role of this variant in disease. Therefore, it has been classified as a Variant of Uncertain Significance.